The following is an entry in ClinVar:

ClinVar aggregate classification (germline): Likely benign. Review status: criteria provided, multiple submitters, no conflicts (2 of 4 stars). 2 submissions from 2 submitters: Likely benign (2). Last evaluated 2025-11-05.

Conditions:
Spastic paraplegia. Identifiers: MedGen C0037772, HP:0001258.

Allele frequency attached by ClinVar (database versions not stated): gnomAD 0.00001; TOPMed 0.00002; gnomAD exomes 0.00004; ExAC 0.00008.
gnomAD v4.1: 66 of 1,606,878 alleles (0.0041%); highest among the groups gnomAD compares: Non-Finnish European, 0.0048%; no homozygotes.

Submissions (2):

Mayo Clinic Laboratories, Mayo Clinic
Classification: Likely benign. Last evaluated: 2025-11-05. Review status: criteria provided, single submitter. Criteria: ACMG Guidelines, 2015. Collection method: clinical testing. Allele origin: germline. Observed: 1 variant allele.
Comment: BP4, BP7

Labcorp Genetics (formerly Invitae), Labcorp
Classification: Likely benign for Spastic paraplegia. Last evaluated: 2022-10-03. Review status: criteria provided, single submitter. Criteria: Invitae Variant Classification Sherloc (09022015). Collection method: clinical testing. Allele origin: germline.

NM_005619.5(RTN2):c.1167C>T (p.Cys389=)

Genes: OPA3-RTN2 (OPA3-RTN2 readthrough; minus strand), RTN2 (reticulon 2; minus strand). Cytogenetic location: 19q13.32.
Variant type: single nucleotide variant.
Coding change: c.1167C>T on transcript NM_005619.5 (MANE Select); coding-DNA position 1167, C replaced by T.
Protein change: p.Cys389=; no amino-acid change (cysteine 389 retained).
Molecular consequence: synonymous variant.
Genome position (GRCh38, 1-based): chr19:45,489,420, G>A on the plus strand (C>T on the coding strand, the complement: RTN2 is on the minus strand). VCF-style: chr19-45489420-G-A. GRCh37 (hg19) VCF-style: chr19-45992678-G-A.
Other names: p.Cys389=; c.948C>T, p.Cys316= (NM_206900.3); c.147C>T, p.Cys49= (NM_206901.3).
Identifiers: ClinVar variation 2194658 (VCV002194658.5), dbSNP rs758370815, ClinGen allele CA9516065.